The following is an entry in ClinVar:

ClinVar aggregate classification (germline): Conflicting classifications of pathogenicity. Review status: criteria provided, conflicting classifications (1 of 4 stars). 2 submissions from 2 submitters: Uncertain significance (1); Likely benign (1). Last evaluated 2025-12-01.

Conditions:
Emery-Dreifuss muscular dystrophy 4, autosomal dominant (EDMD4). Also called: EMERY-DREIFUSS MUSCULAR DYSTROPHY 4 WITH VARIABLE FEATURES. Identifiers: Orphanet 261, MedGen C2751807, MONDO:0013071, OMIM 612998.
Autosomal recessive ataxia, Beauce type. Also called: SYNE1 Deficiency; ATAXIA, RECESSIVE, OF BEAUCE; Spinocerebellar ataxia, autosomal recessive 8; SYNE1-Related Autosomal Recessive Cerebellar Ataxia. Identifiers: Orphanet 88644, MedGen C1853116, MONDO:0012549, OMIM 610743.

Allele frequency attached by ClinVar (database versions not stated): gnomAD exomes 0.00002 and 0.00004; ExAC 0.00005; gnomAD 0.00012 and 0.00013; 1000 Genomes Project 30x 0.00016; TOPMed 0.00018; 1000 Genomes Project 0.00020; ESP Exome Variant Server 0.00023.
gnomAD v4.1: 52 of 1,613,168 alleles (0.0032%); highest among the groups gnomAD compares: African/African-American, 0.039%; no homozygotes.

Submissions (2):

Labcorp Genetics (formerly Invitae), Labcorp
Classification: Uncertain significance for Emery-Dreifuss muscular dystrophy 4, autosomal dominant; Autosomal recessive ataxia, Beauce type. Last evaluated: 2025-12-01. Review status: criteria provided, single submitter. Criteria: Invitae Variant Classification Sherloc (09022015). Collection method: clinical testing. Allele origin: germline.
Comment: This sequence change affects codon 6201 of the SYNE1 mRNA. It is a 'silent' change, meaning that it does not change the encoded amino acid sequence of the SYNE1 protein. It affects a nucleotide within the consensus splice site. This variant is present in population databases (rs142296702, gnomAD 0.02%). This variant has not been reported in the literature in individuals affected with SYNE1-related conditions. ClinVar contains an entry for this variant (Variation ID: 967993). Algorithms developed to predict the effect of sequence changes on RNA splicing suggest that this variant is not likely to affect RNA splicing. In summary, the available evidence is currently insufficient to determine the role of this variant in disease. Therefore, it has been classified as a Variant of Uncertain Significance.

Blueprint Genetics
Classification: Likely benign. Last evaluated: 2024-11-25. Review status: criteria provided, single submitter. Criteria: ACMG Guidelines, 2015. Collection method: clinical testing. Allele origin: germline.

NM_182961.4(SYNE1):c.18816C>T (p.Gly6272=)

Gene: SYNE1 (spectrin repeat containing nuclear envelope protein 1; minus strand). Cytogenetic location: 6q25.2.
Variant type: single nucleotide variant.
Coding change: c.18816C>T on transcript NM_182961.4 (MANE Select); coding-DNA position 18816, C replaced by T.
Protein change: p.Gly6272=; no amino-acid change (glycine 6272 retained).
Molecular consequence: synonymous variant.
Genome position (GRCh38, 1-based): chr6:152,262,188, G>A on the plus strand (C>T on the coding strand, the complement: SYNE1 is on the minus strand). VCF-style: chr6-152262188-G-A. GRCh37 (hg19) VCF-style: chr6-152583323-G-A.
Other names: c.18603C>T, p.Gly6201= (NM_033071.5).
Identifiers: ClinVar variation 967993 (VCV000967993.8), dbSNP rs142296702, ClinGen allele CA4054837.